The following is an entry in ClinVar:

NM_007294.4(BRCA1):c.3413del (p.Gly1138fs)

Genes: BRCA1 (BRCA1 DNA repair associated; minus strand), LOC126862571 (BRD4-independent group 4 enhancer GRCh37_chr17:41243136-41244335; plus strand). Cytogenetic location: 17q21.31.
Variant type: Deletion.
Coding change: c.3413del on transcript NM_007294.4 (MANE Select); coding-DNA position 3413, one base deleted (G; older notation c.3413delG).
Protein change: p.Gly1138fs; shifts the reading frame from glycine 1138.
Molecular consequence: frameshift variant. On other transcripts: intron variant (135).
Genome position (GRCh38, 1-based): chr17:43,092,118, C deleted on the plus strand (G on the coding strand, the reverse complement: BRCA1 is on the minus strand); the first of 3 consecutive C bases (chr17:43,092,118-43,092,120); deleting any one gives the same sequence. VCF-style (leftmost placement, unchanged base first): chr17-43092117-TC-T. GRCh37 (hg19) VCF-style: chr17-41244134-TC-T.
Other names: c.3413delG (NM_007294.3); c.662-1086del (NM_001408433.1, NM_001408446.1, NM_001408435.1 and 6 more transcripts); c.785-1086del (NM_001408400.1, NM_001408392.1, NM_001407986.1 and 13 more transcripts); c.665-1086del (NM_001408441.1, NM_001408437.1, NM_001408429.1 and 12 more transcripts); c.788-1086del (NM_001407979.1, NM_001407977.1, NM_001407982.1 and 17 more transcripts); c.647-1086del (NM_001408410.1, NM_001408458.1, NM_001408469.1 and 11 more transcripts); c.710-1086del (NM_001408415.1, NM_001408412.1, NM_001408409.1 and 2 more transcripts); c.578-1086del (NM_001408483.1, NM_001408481.1, NM_001408480.1 and 9 more transcripts); and 42 more; short protein forms G1091fs, G1138fs, G1010fs, G1011fs, G1026fs, G1068fs, G1090fs, G1137fs.
Identifiers: ClinVar variation 54872 (VCV000054872.4), dbSNP rs397509063, ClinGen allele CA002206.

ClinVar aggregate classification (germline): Pathogenic. Review status: reviewed by expert panel (3 of 4 stars). 3 submissions from 3 submitters: Pathogenic (1). 2 of the submissions do not count toward it. Last evaluated 2017-12-15.

Conditions:
Hereditary breast ovarian cancer syndrome. Also called: Hereditary breast and ovarian cancer syndrome (HBOC); Hereditary breast and ovarian cancer syndrome; Hereditary breast and ovarian cancer; Hereditary breast and/or ovarian cancer syndrome; Breast and ovarian cancer; BRCA1- and BRCA2-Associated Hereditary Breast and Ovarian Cancer. Identifiers: Orphanet 145, MedGen C0677776, MeSH D061325, MONDO:0003582. Disease mechanism: loss of function.
Breast-ovarian cancer, familial, susceptibility to, 1 (BROVCA1). Also called: OVARIAN CANCER, SUSCEPTIBILITY TO; BRCA1 Hereditary Breast and Ovarian Cancer. Identifiers: Orphanet 145, MedGen C2676676, MONDO:0011450, OMIM 604370. Disease mechanism: loss of function.
Familial cancer of breast. Also called: Hereditary breast cancer; hereditary breast carcinoma; BREAST CANCER, FAMILIAL. Identifiers: Orphanet 227535, MedGen C0346153, MONDO:0016419, OMIM 114480. Disease mechanism: loss of function.

Submissions (3):

Evidence-based Network for the Interpretation of Germline Mutant Alleles (ENIGMA)
Classification: Pathogenic for Breast-ovarian cancer, familial, susceptibility to, 1. Last evaluated: 2017-12-15. Review status: reviewed by expert panel. Criteria: ENIGMA BRCA1/2 Classification Criteria (2017-06-29). Collection method: curation. Allele origin: germline. Study: ENIGMA.
Comment: Variant allele predicted to encode a truncated non-functional protein.

Labcorp Genetics (formerly Invitae), Labcorp
Classification: Pathogenic for Hereditary breast ovarian cancer syndrome. Last evaluated: 2025-11-17. Review status: criteria provided, single submitter. Criteria: Invitae Variant Classification Sherloc (09022015). Collection method: clinical testing. Allele origin: germline. Not counted in ClinVar's aggregate classification.
Comment: This sequence change creates a premature translational stop signal (p.Gly1138Glufs*17) in the BRCA1 gene. It is expected to result in an absent or disrupted protein product. Loss-of-function variants in BRCA1 are known to be pathogenic (PMID: 20104584). This variant is not present in population databases (gnomAD no frequency). This variant has not been reported in the literature in individuals affected with BRCA1-related conditions. ClinVar contains an entry for this variant (Variation ID: 54872). For these reasons, this variant has been classified as Pathogenic.

ClinVar Staff, National Center for Biotechnology Information (NCBI)
No classification provided. Condition: Familial cancer of breast. Review status: no classification provided. Collection method: literature only. Allele origin: germline. Affected: yes. Not counted in ClinVar's aggregate classification.

Literature cited by the submitters: PubMed 20104584 (cited by Labcorp Genetics (formerly Invitae), Labcorp); PubMed 16337994 (cited by ClinVar Staff, National Center for Biotechnology Information (NCBI)).